The following is an entry in ClinVar:

ClinVar aggregate classification (germline): Conflicting classifications of pathogenicity. Review status: criteria provided, conflicting classifications (1 of 4 stars). 2 submissions from 2 submitters: Likely pathogenic (1); Uncertain significance (1). Last evaluated 2025-09-10.

Conditions:
Neurofibromatosis, type 1 (NF1). Also called: Peripheral type neurofibromatosis; VON RECKLINGHAUSEN DISEASE; NEUROFIBROMATOSIS, TYPE I, SOMATIC; Neurofibromatosis, type I. Identifiers: Orphanet 636, MedGen C0027831, MONDO:0018975, OMIM 162200. Disease mechanism: loss of function.

Submissions (2):

Labcorp Genetics (formerly Invitae), Labcorp
Classification: Uncertain significance for Neurofibromatosis, type 1. Last evaluated: 2025-09-10. Review status: criteria provided, single submitter. Criteria: Invitae Variant Classification Sherloc (09022015). Collection method: clinical testing. Allele origin: germline.
Comment: This sequence change falls in intron 8 of the NF1 gene. It does not directly change the encoded amino acid sequence of the NF1 protein. This variant is not present in population databases (gnomAD no frequency). This variant has been observed in individual(s) with NF1-related conditions (PMID: 23913538). ClinVar contains an entry for this variant (Variation ID: 3780028). Algorithms developed to predict the effect of sequence changes on RNA splicing suggest that this variant may disrupt the consensus splice site. In summary, the available evidence is currently insufficient to determine the role of this variant in disease. Therefore, it has been classified as a Variant of Uncertain Significance.

Department of Pathology and Laboratory Medicine, Sinai Health System
Classification: Likely pathogenic for neurofibromatosis type 1. Review status: criteria provided, single submitter. Criteria: ACMG Guidelines, 2015. Collection method: clinical testing. Allele origin: germline.

Literature cited by the submitters: PubMed 23913538 (cited by Labcorp Genetics (formerly Invitae), Labcorp).

NM_001042492.3(NF1):c.889-12T>A

Gene: NF1 (neurofibromin 1; plus strand). Cytogenetic location: 17q11.2.
Variant type: single nucleotide variant.
Coding change: c.889-12T>A on transcript NM_001042492.3 (MANE Select); 12 bases into the intron before coding-DNA position 889, T replaced by A.
Molecular consequence: intron variant.
Genome position (GRCh38, 1-based): chr17:31,200,410, T>A. VCF-style: chr17-31200410-T-A. GRCh37 (hg19) VCF-style: chr17-29527428-T-A.
Other names: c.889-12T>A (NM_000267.4, NM_001128147.3).
Identifiers: ClinVar variation 3780028 (VCV003780028.2).